The following is an entry in ClinVar:

ClinVar aggregate classification (germline): Uncertain significance (1 of 4 stars; one submission).

Conditions:
Glycogen storage disease, type V (GSD5). Also called: MCARDLE DISEASE; MUSCLE GLYCOGEN PHOSPHORYLASE DEFICIENCY; MYOPHOSPHORYLASE DEFICIENCY; PYGM DEFICIENCY; McArdle type glycogen storage disease. Identifiers: Orphanet 368, MedGen C0017924, MONDO:0009293, OMIM 232600.

Allele frequency attached by ClinVar (database versions not stated): ExAC 0.00001; gnomAD 0.00001; gnomAD exomes 0.00001; TOPMed 0.00001; ESP Exome Variant Server 0.00008.
gnomAD v4.1: 8 of 1,578,434 alleles (0.00051%); highest among the groups gnomAD compares: East Asian, 0.0022%; no homozygotes.

Submission:

Labcorp Genetics (formerly Invitae), Labcorp
Classification: Uncertain significance for Glycogen storage disease, type V. Last evaluated: 2022-07-30. Review status: criteria provided, single submitter. Criteria: Invitae Variant Classification Sherloc (09022015). Collection method: clinical testing. Allele origin: germline.
Comment: This sequence change falls in intron 11 of the PYGM gene. It does not directly change the encoded amino acid sequence of the PYGM protein. This variant is present in population databases (rs370135154, gnomAD 0.01%). This variant has not been reported in the literature in individuals affected with PYGM-related conditions. Algorithms developed to predict the effect of sequence changes on RNA splicing suggest that this variant may disrupt the consensus splice site. In summary, the available evidence is currently insufficient to determine the role of this variant in disease. Therefore, it has been classified as a Variant of Uncertain Significance.

NM_005609.4(PYGM):c.1404-20C>T

Gene: PYGM (glycogen phosphorylase, muscle associated; minus strand). Cytogenetic location: 11q13.1.
Variant type: single nucleotide variant.
Coding change: c.1404-20C>T on transcript NM_005609.4 (MANE Select); 20 bases into the intron before coding-DNA position 1404, C replaced by T.
Molecular consequence: intron variant.
Genome position (GRCh38, 1-based): chr11:64,753,207, G>A on the plus strand (C>T on the coding strand, the complement: PYGM is on the minus strand). VCF-style: chr11-64753207-G-A. GRCh37 (hg19) VCF-style: chr11-64520679-G-A.
Other names: c.1140-20C>T (NM_001164716.1).
Identifiers: ClinVar variation 2181236 (VCV002181236.1), dbSNP rs370135154, ClinGen allele CA6079865.